The following is an entry in ClinVar:

NM_004006.3(DMD):c.1309G>C (p.Ala437Pro)

Gene: DMD (dystrophin; minus strand). Cytogenetic location: Xp21.1.
Variant type: single nucleotide variant.
Coding change: c.1309G>C on transcript NM_004006.3 (MANE Select); coding-DNA position 1309, G replaced by C.
Protein change: p.Ala437Pro; replaces alanine 437 with proline.
Molecular consequence: missense variant.
Genome position (GRCh38, 1-based): chrX:32,644,154, C>G on the plus strand (G>C on the coding strand, the complement: DMD is on the minus strand). VCF-style: chrX-32644154-C-G. GRCh37 (hg19) VCF-style: chrX-32662271-C-G.
Other names: c.1285G>C, p.Ala429Pro (NM_000109.4); c.1297G>C, p.Ala433Pro (NM_004009.3); c.940G>C, p.Ala314Pro (NM_004010.3); short protein forms A437P, A433P, A429P, A314P.
Identifiers: ClinVar variation 455860 (VCV000455860.14), dbSNP rs748964279, ClinGen allele CA10379930.
Genomic context (GRCh38, chrX:32,644,154, plus strand): 5'-TTGTTAGTCTTCTTAATTAAAAACAAATAAGGACTTACTTGCTTTGTTTTTCCATGCTAG[C>G]TACCCTGAGGCATTCCCATCTTGAATTTAGGAGATTCATCTGCTCTTGTACTTCAGTTTC-3'
Protein context (NP_003997.2, residues 427-447): LNSRWECLRV[Ala437Pro]SMEKQSNLHR

ClinVar aggregate classification (germline): Conflicting classifications of pathogenicity. Review status: criteria provided, conflicting classifications (1 of 4 stars). 3 submissions from 3 submitters: Uncertain significance (1); Likely benign (1). 1 of the submissions does not count toward it. Last evaluated 2025-11-12.

Conditions:
Becker muscular dystrophy (BMD). Also called: MUSCULAR DYSTROPHY, PSEUDOHYPERTROPHIC PROGRESSIVE, BECKER TYPE; Becker Muscular Dystrophy (BMD). Identifiers: Orphanet 98895, MedGen C0917713, MONDO:0010311, OMIM 300376.
Cardiomyopathy (CMYO). Also called: Cardiomyopathies. Identifiers: Orphanet 167848, MedGen C0878544, MONDO:0004994, HP:0001638. Inheritance: Various modes of inheritance.
Duchenne muscular dystrophy (DMD). Also called: MUSCULAR DYSTROPHY, PSEUDOHYPERTROPHIC PROGRESSIVE, DUCHENNE TYPE; Duchenne Muscular Dystrophy (DMD). Identifiers: Orphanet 98896, MedGen C0013264, MONDO:0010679, OMIM 310200.
Dystrophin deficiency.
Cardiovascular phenotype. Identifiers: MedGen CN230736.

Allele frequency attached by ClinVar (database versions not stated): gnomAD 0.00002; ExAC 0.00003; TOPMed 0.00003; gnomAD exomes 0.00004.
gnomAD v4.1: 11 of 1,206,681 alleles (0.00091%); highest among the groups gnomAD compares: Admixed American, 0.018%; no homozygotes.

Submissions (3):

Labcorp Genetics (formerly Invitae), Labcorp
Classification: Likely benign for Duchenne muscular dystrophy. Last evaluated: 2025-11-12. Review status: criteria provided, single submitter. Criteria: Invitae Variant Classification Sherloc (09022015). Collection method: clinical testing. Allele origin: germline.

Ambry Genetics
Classification: Uncertain significance for Cardiovascular phenotype. Last evaluated: 2023-05-31. Review status: criteria provided, single submitter. Criteria: Ambry Variant Classification Scheme 2023. Collection method: clinical testing. Allele origin: germline.
Comment: The p.A437P variant (also known as c.1309G>C), located in coding exon 11 of the DMD gene, results from a G to C substitution at nucleotide position 1309. The alanine at codon 437 is replaced by proline, an amino acid with highly similar properties. Based on data from gnomAD, the C allele has an overall frequency of 0.0044% (8/180782) total alleles studied, with 2 hemizygote(s) observed. The highest observed frequency was 0.0223% (6/26951) of Latino alleles. This amino acid position is well conserved in available vertebrate species. In addition, the in silico prediction for this alteration is inconclusive. Since supporting evidence is limited at this time, the clinical significance of this alteration remains unclear.

Natera, Inc.
Classification: Uncertain significance for Becker muscular dystrophy; Cardiomyopathy; Duchenne muscular dystrophy; Dystrophin deficiency. Last evaluated: 2018-11-07. Review status: no assertion criteria provided. Collection method: clinical testing. Allele origin: germline. Not counted in ClinVar's aggregate classification.